The following is an entry in ClinVar:

ClinVar aggregate classification (germline): Uncertain significance (1 of 4 stars; one submission).

Conditions:
POLD1-related polyposis and colorectal cancer syndrome (CRCS10). Also called: Colorectal cancer 10; COLORECTAL CANCER, SUSCEPTIBILITY TO, ON CHROMOSOME 19q; Colorectal cancer, susceptibility to, 10. Identifiers: Orphanet 220460, MedGen C2675481, MONDO:0012953, OMIM 612591.

Submission:

Labcorp Genetics (formerly Invitae), Labcorp
Classification: Uncertain significance for POLD1-related polyposis and colorectal cancer syndrome. Last evaluated: 2023-04-15. Review status: criteria provided, single submitter. Criteria: Invitae Variant Classification Sherloc (09022015). Collection method: clinical testing. Allele origin: germline.
Comment: ClinVar contains an entry for this variant (Variation ID: 2121358). In summary, the available evidence is currently insufficient to determine the role of this variant in disease. Therefore, it has been classified as a Variant of Uncertain Significance. Algorithms developed to predict the effect of sequence changes on RNA splicing suggest that this variant may disrupt the consensus splice site. This variant has not been reported in the literature in individuals affected with POLD1-related conditions. This variant is not present in population databases (gnomAD no frequency). This sequence change creates a premature translational stop signal (p.Asp941Profs*4) in the POLD1 gene. Missense variants that disrupt the 3'-5' exonuclease (proof-reading) activity of the POLD1 protein are associated with PPAP (polymerase proofreading–associated polyposis) (PMID: 23263490, 23447401). However, loss-of-function variants that result in an absent or severely disrupted POLD1 protein, and missense variants outside the exonuclease domain, are unlikely to be associated with PPAP.

Literature cited by the submitters: PubMed 23263490; PubMed 23447401.

NC_000019.10:g.50416396_50416421del

Gene: POLD1 (DNA polymerase delta 1, catalytic subunit; plus strand). Cytogenetic location: 19q13.33.
Variant type: Deletion.
Genome position: GRCh38 VCF-style: chr19-50416392-GCAGGACCCGCTGTTCGTGCTGGAGCA-G. GRCh37 (hg19) VCF-style: chr19-50919649-GCAGGACCCGCTGTTCGTGCTGGAGCA-G.
Identifiers: ClinVar variation 2121358 (VCV002121358.5), ClinGen allele CA2580097831.